The following is an entry in ClinVar:

ClinVar aggregate classification (germline): Likely pathogenic (1 of 4 stars; one submission).

Conditions:
Pseudohypoaldosteronism, type IB1, autosomal recessive. Also called: Pseudohypoaldosteronism, Type I, Recessive; Autosomal recessive pseudohypoaldosteronism type 1; PHA I, AUTOSOMAL RECESSIVE; Pseudohypoaldosteronism, Type I, Autosomal Recessive. Identifiers: Orphanet 171876, Orphanet 756, MedGen C5774176, MONDO:0009917, OMIM 264350.

Allele frequency attached by ClinVar (database versions not stated): gnomAD exomes below 0.00001.

Submission:

Johns Hopkins Genomics, Johns Hopkins University
Classification: Likely pathogenic for Pseudohypoaldosteronism, type IB1, autosomal recessive. Last evaluated: 2022-09-07. Review status: criteria provided, single submitter. Criteria: ACMG Guidelines, 2015. Collection method: clinical testing. Allele origin: germline.
Comment: This SCNN1A variant is absent from a large population dataset and has not been reported in ClinVar nor the literature, to our knowledge. This frameshift variant results in a premature stop codon in exon 5, likely leading to nonsense-mediated decay and lack of protein production. We consider this variant to be likely pathogenic.

NM_001038.6(SCNN1A):c.655dup (p.Trp219fs)

Gene: SCNN1A (sodium channel epithelial 1 subunit alpha; minus strand). Cytogenetic location: 12p13.31.
Variant type: Duplication.
Coding change: c.655dup on transcript NM_001038.6 (MANE Select); coding-DNA position 655, one base duplicated (T; older notation c.655dupT).
Protein change: p.Trp219fs; shifts the reading frame from tryptophan 219.
Molecular consequence: frameshift variant.
Genome position (GRCh38, 1-based): chr12:6,363,472, A duplicated on the plus strand (T on the coding strand, the reverse complement: SCNN1A is on the minus strand). VCF-style (leftmost placement, unchanged base first): chr12-6363471-C-CA. GRCh37 (hg19) VCF-style: chr12-6472637-C-CA.
Other names: c.724dup, p.Trp242fs (NM_001159575.2); c.832dup, p.Trp278fs (NM_001159576.2); c.655dupT (NM_001038.6); short protein forms W242fs, W278fs, W219fs.
Identifiers: ClinVar variation 1704354 (VCV001704354.1), dbSNP rs2497885818, ClinGen allele CA2580086252.